The following is an entry in ClinVar:

NM_152703.5(SAMD9L):c.232A>G (p.Lys78Glu)

Gene: SAMD9L (sterile alpha motif domain containing 9 like; minus strand). Cytogenetic location: 7q21.2.
Variant type: single nucleotide variant.
Coding change: c.232A>G on transcript NM_152703.5 (MANE Select); coding-DNA position 232, A replaced by G.
Protein change: p.Lys78Glu; replaces lysine 78 with glutamic acid.
Molecular consequence: missense variant.
Genome position (GRCh38, 1-based): chr7:93,135,740, T>C on the plus strand (A>G on the coding strand, the complement: SAMD9L is on the minus strand). VCF-style: chr7-93135740-T-C. GRCh37 (hg19) VCF-style: chr7-92765053-T-C.
Other names: c.232A>G, p.Lys78Glu (NM_001303496.3, NM_001303497.3, NM_001303498.3 and 5 more transcripts); short protein forms K78E.
Identifiers: ClinVar variation 2857441 (VCV002857441.3), dbSNP rs2535440366, ClinGen allele CA368206544.
Genomic context (GRCh38, chr7:93,135,740, plus strand): 5'-TTTTGGACGGTTTTGAATTATCTAATTGTCCCGGATCATGATTGTCACTTTCAGGGGACT[T>C]ACTATTCAATTTGTTGTATGAACGTTTTATCAAAAGTGCTGGACCCCATGGTAGCCCCAT-3'
Protein context (NP_689916.2, residues 68-88): IKRSYNKLNS[Lys78Glu]SPESDNHDPG

ClinVar aggregate classification (germline): Uncertain significance (1 of 4 stars; one submission).

Submission:

Labcorp Genetics (formerly Invitae), Labcorp
Classification: Uncertain significance. Last evaluated: 2023-11-27. Review status: criteria provided, single submitter. Criteria: Invitae Variant Classification Sherloc (09022015). Collection method: clinical testing. Allele origin: germline.
Comment: This sequence change replaces lysine, which is basic and polar, with glutamic acid, which is acidic and polar, at codon 78 of the SAMD9L protein (p.Lys78Glu). This variant is not present in population databases (gnomAD no frequency). This variant has not been reported in the literature in individuals affected with SAMD9L-related conditions. An algorithm developed to predict the effect of missense changes on protein structure and function (PolyPhen-2) suggests that this variant is likely to be tolerated. In summary, the available evidence is currently insufficient to determine the role of this variant in disease. Therefore, it has been classified as a Variant of Uncertain Significance.